The following is an entry in ClinVar:

NM_001029860.4(FBXO43):c.1735_1736dup (p.Leu579fs)

Gene: FBXO43 (F-box protein 43; minus strand). Cytogenetic location: 8q22.2.
Variant type: Duplication.
Coding change: c.1735_1736dup on transcript NM_001029860.4 (MANE Select); coding-DNA positions 1735 to 1736, 2 bases duplicated (TT; older notation c.1735_1736dupTT).
Protein change: p.Leu579fs; shifts the reading frame from leucine 579.
Molecular consequence: frameshift variant. On other transcripts: non-coding transcript variant (1).
Genome position (GRCh38, 1-based): chr8:100,134,303-100,134,304, AA duplicated on the plus strand (TT on the coding strand, the reverse complement: FBXO43 is on the minus strand); duplicating any 2 consecutive bases within chr8:100,134,303-100,134,305 gives the same sequence; the c. name uses the placement nearest the transcript's 3' end. VCF-style (leftmost placement, unchanged base first): chr8-100134302-T-TAA. GRCh37 (hg19) VCF-style: chr8-101146530-T-TAA.
Other names: p.Leu579Phefs*2; short protein forms L579fs.
Identifiers: ClinVar variation 4886952 (VCV004886952.1).

ClinVar aggregate classification (germline): Likely pathogenic (1 of 4 stars; one submission).

Conditions:
Spermatogenic failure 64. Identifiers: MedGen C5562062, MONDO:0030522, OMIM 619696.

Submission:

Department of Molecular Genetics, Istishari Arab Hospital
Classification: Likely pathogenic for Spermatogenic failure 64. Last evaluated: 2026-08-27. Review status: criteria provided, single submitter. Criteria: ACMG Guidelines, 2015. Collection method: clinical testing. Allele origin: germline. Inheritance: Autosomal recessive inheritance. Affected: yes.
Comment: The FBXO43 variant c.1735_1736dup, p.Leu579Phefs*2 is a 2-bp duplication that causes a shift in the reading frame at codon 579 in exon no. 4 (of 5), which results in termination of the protein 2 codons downstream. This variant is not observed within the gnomAD v4.1.0 dataset, and to the best of our knowledge, it was not previously reported in the literature. However, Loss-of-function is a known disease mechanism for the reported disease (PMID: 34595750). Therefore, it is classified as likely pathogenic based on ACMG recommendations.

Literature cited by the submitters: PubMed 34595750.